The following is an entry in ClinVar:

ClinVar aggregate classification (germline): Uncertain significance (1 of 4 stars; one submission).

gnomAD v4.1: 1 of 1,614,150 alleles (0.000062%); highest among the groups gnomAD compares: Admixed American, 0.0017%; no homozygotes.

Submission:

Labcorp Genetics (formerly Invitae), Labcorp
Classification: Uncertain significance. Last evaluated: 2024-08-24. Review status: criteria provided, single submitter. Criteria: Invitae Variant Classification Sherloc (09022015). Collection method: clinical testing. Allele origin: germline.
Comment: This sequence change falls in intron 18 of the COL9A2 gene. It does not directly change the encoded amino acid sequence of the COL9A2 protein. It affects a nucleotide within the consensus splice site. This variant is not present in population databases (gnomAD no frequency). This variant has not been reported in the literature in individuals affected with COL9A2-related conditions. Variants that disrupt the consensus splice site are a relatively common cause of aberrant splicing (PMID: 17576681, 9536098). Algorithms developed to predict the effect of sequence changes on RNA splicing suggest that this variant may disrupt the consensus splice site. In summary, the available evidence is currently insufficient to determine the role of this variant in disease. Therefore, it has been classified as a Variant of Uncertain Significance.

Literature cited by the submitters: PubMed 17576681; PubMed 9536098.

NM_001852.4(COL9A2):c.954+5G>T

Gene: COL9A2 (collagen type IX alpha 2 chain; minus strand). Cytogenetic location: 1p34.2.
Variant type: single nucleotide variant.
Coding change: c.954+5G>T on transcript NM_001852.4 (MANE Select); 5 bases into the intron after coding-DNA position 954, G replaced by T.
Molecular consequence: intron variant.
Genome position (GRCh38, 1-based): chr1:40,307,698, C>A on the plus strand (G>T on the coding strand, the complement: COL9A2 is on the minus strand). VCF-style: chr1-40307698-C-A. GRCh37 (hg19) VCF-style: chr1-40773370-C-A.
Identifiers: ClinVar variation 3678906 (VCV003678906.2).